The following is an entry in ClinVar:

NM_030973.4(MED25):c.2113C>A (p.Pro705Thr)

Gene: MED25 (mediator complex subunit 25; plus strand). Cytogenetic location: 19q13.33.
Variant type: single nucleotide variant.
Coding change: c.2113C>A on transcript NM_030973.4 (MANE Select); coding-DNA position 2113, C replaced by A.
Protein change: p.Pro705Thr; replaces proline 705 with threonine.
Molecular consequence: missense variant.
Genome position (GRCh38, 1-based): chr19:49,836,373, C>A. VCF-style: chr19-49836373-C-A. GRCh37 (hg19) VCF-style: chr19-50339630-C-A.
Other names: c.2113C>A, p.Pro705Thr (NM_001378355.1); short protein forms P705T.
Identifiers: ClinVar variation 409953 (VCV000409953.6), dbSNP rs367802464, ClinGen allele CA9585476.

ClinVar aggregate classification (germline): Uncertain significance (1 of 4 stars; one submission).

Conditions:
Charcot-Marie-Tooth disease type 2. Also called: Charcot-Marie-Tooth type 2. Identifiers: Orphanet 64746, MedGen C0270914, MONDO:0018993.

Allele frequency attached by ClinVar (database versions not stated): gnomAD 0.00002; TOPMed 0.00001; ESP Exome Variant Server 0.00008.
gnomAD v4.1: 13 of 1,605,680 alleles (0.00081%); highest among the groups gnomAD compares: Non-Finnish European, 0.001%; no homozygotes.

Submission:

Labcorp Genetics (formerly Invitae), Labcorp
Classification: Uncertain significance for Charcot-Marie-Tooth disease type 2. Last evaluated: 2022-03-11. Review status: criteria provided, single submitter. Criteria: Invitae Variant Classification Sherloc (09022015). Collection method: clinical testing. Allele origin: germline.
Comment: This sequence change replaces proline, which is neutral and non-polar, with threonine, which is neutral and polar, at codon 705 of the MED25 protein (p.Pro705Thr). The frequency data for this variant in the population databases is considered unreliable, as metrics indicate poor data quality at this position in the gnomAD database. This variant has not been reported in the literature in individuals affected with MED25-related conditions. ClinVar contains an entry for this variant (Variation ID: 409953). Algorithms developed to predict the effect of missense changes on protein structure and function are either unavailable or do not agree on the potential impact of this missense change (SIFT: "Tolerated"; PolyPhen-2: "Possibly Damaging"; Align-GVGD: "Class C0"). In summary, the available evidence is currently insufficient to determine the role of this variant in disease. Therefore, it has been classified as a Variant of Uncertain Significance.